The following is an entry in ClinVar:

NM_018238.4(AGK):c.511A>G (p.Lys171Glu)

Gene: AGK (acylglycerol kinase; plus strand). Cytogenetic location: 7q34.
Variant type: single nucleotide variant.
Coding change: c.511A>G on transcript NM_018238.4 (MANE Select); coding-DNA position 511, A replaced by G.
Protein change: p.Lys171Glu; replaces lysine 171 with glutamic acid.
Molecular consequence: missense variant.
Genome position (GRCh38, 1-based): chr7:141,615,558, A>G. VCF-style: chr7-141615558-A-G. GRCh37 (hg19) VCF-style: chr7-141315358-A-G.
Other names: c.511A>G, p.Lys171Glu (NM_001364948.3); short protein forms K171E.
Identifiers: ClinVar variation 911913 (VCV000911913.5), dbSNP rs771035261, ClinGen allele CA4517477.
Genomic context (GRCh38, chr7:141,615,558, plus strand): 5'-TTTATCCCACTGGGAGAGACCAGTAGTTTGAGTCATACCCTCTTTGCCGAAAGTGGAAAC[A>G]AAGTCCAGTAGGTTGTCAATGTGGGGAATTAGCATTTGTGGGTGAGCGAGACTGGGAATG-3'
Protein context (NP_060708.1, residues 161-181): SHTLFAESGN[Lys171Glu]VQHITDATLA

ClinVar aggregate classification (germline): Uncertain significance. Review status: criteria provided, multiple submitters, no conflicts (2 of 4 stars). 3 submissions from 2 submitters: Uncertain significance (3). Last evaluated 2022-02-08.

Conditions:
Cataract 38. Also called: Cataract, autosomal recessive congenital 5; Cataract 38, autosomal recessive. Identifiers: Orphanet 91492, MedGen C3553494, MONDO:0013859, OMIM 614691.
Sengers syndrome. Also called: MITOCHONDRIAL DNA DEPLETION SYNDROME 10 (CARDIOMYOPATHIC TYPE); Cardiomyopathy and cataract. Identifiers: Orphanet 1369, MedGen C1859317, MONDO:0008922, OMIM 212350.

Allele frequency attached by ClinVar (database versions not stated): gnomAD 0.00001 and 0.00002; TOPMed 0.00001.
gnomAD v4.1: 125 of 1,612,868 alleles (0.0078%); highest among the groups gnomAD compares: East Asian, 0.27%; 1 homozygote.

Submissions (3):

Labcorp Genetics (formerly Invitae), Labcorp
Classification: Uncertain significance for Sengers syndrome; Cataract 38. Last evaluated: 2022-02-08. Review status: criteria provided, single submitter. Criteria: Invitae Variant Classification Sherloc (09022015). Collection method: clinical testing. Allele origin: germline.
Comment: This sequence change replaces lysine, which is basic and polar, with glutamic acid, which is acidic and polar, at codon 171 of the AGK protein (p.Lys171Glu). This variant is present in population databases (rs771035261, gnomAD 0.02%). This variant has not been reported in the literature in individuals affected with AGK-related conditions. ClinVar contains an entry for this variant (Variation ID: 911913). Algorithms developed to predict the effect of missense changes on protein structure and function (SIFT, PolyPhen-2, Align-GVGD) all suggest that this variant is likely to be tolerated. In summary, the available evidence is currently insufficient to determine the role of this variant in disease. Therefore, it has been classified as a Variant of Uncertain Significance.

Illumina Laboratory Services, Illumina
Classification: Uncertain significance for Sengers syndrome. Last evaluated: 2018-01-13. Review status: criteria provided, single submitter. Criteria: ICSL Variant Classification Criteria 13 December 2019. Collection method: clinical testing. Allele origin: germline.

Illumina Laboratory Services, Illumina
Classification: Uncertain significance for Cataract 38. Last evaluated: 2018-01-13. Review status: criteria provided, single submitter. Criteria: ICSL Variant Classification Criteria 13 December 2019. Collection method: clinical testing. Allele origin: germline.